The following is an entry in ClinVar:

ClinVar aggregate classification (germline): Benign. Review status: criteria provided, single submitter (1 of 4 stars). 2 submissions from 2 submitters: Benign (1). 1 of the submissions does not count toward it. Last evaluated 2026-01-26.

Allele frequency attached by ClinVar (database versions not stated): 1000 Genomes Project 0.00020; 1000 Genomes Project 30x 0.00031; ExAC 0.00039; gnomAD exomes 0.00047.
gnomAD v4.1: 227 of 1,613,680 alleles (0.014%); highest among the groups gnomAD compares: Admixed American, 0.18%; 2 homozygotes.

Submissions (2):

Labcorp Genetics (formerly Invitae), Labcorp
Classification: Benign. Last evaluated: 2026-01-26. Review status: criteria provided, single submitter. Criteria: Invitae Variant Classification Sherloc (09022015). Collection method: clinical testing. Allele origin: germline.

Department of Pathology and Laboratory Medicine, Sinai Health System
Classification: Uncertain significance. Review status: no assertion criteria provided. Collection method: clinical testing. Allele origin: unknown. Affected: yes. Study: The Canadian Open Genetics Repository (COGR). Not counted in ClinVar's aggregate classification.
Comment: The ROBO2 p.Thr1085Thr variant was not identified in the literature nor was it identified in the ClinVar or LOVD 3.0 databases. The variant was identified in dbSNP (ID: rs200783298) and Cosmic (predicted neutral by FATHMM). The variant was identified in control databases in 112 of 246122 chromosomes at a frequency of 0.000455 increasing the likelihood this could be a low frequency benign variant (Genome Aggregation Database Feb 27, 2017). The variant was observed in the following populations: Latino in 81 of 33564 chromosomes (freq: 0.002413), South Asian in 28 of 30776 chromosomes (freq: 0.00091) and European (Non-Finnish) in 3 of 111662 chromosomes (freq: 0.000027), while the variant was not observed in the African, Ashkenazi Jewish, East Asian, European (Finnish) and other populations. The p.Thr1085Thr variant is not expected to have clinical significance because it does not result in a change of amino acid and is not located in a known consensus splice site. The variant occurs outside of the splicing consensus sequence, however 3 of 4 in silico or computational prediction software programs (SpliceSiteFinder, MaxEntScan, NNSPLICE) predict a greater than 10% difference in splicing and the creation of a new 3' splice site. However, this information is not predictive enough to assume pathogenicity. In summary, based on the above information the clinical significance of this variant cannot be determined with certainty at this time. This variant is classified as a variant of uncertain significance.

NM_001395656.1(ROBO2):c.3267G>A (p.Thr1089=)

Gene: ROBO2 (roundabout guidance receptor 2; plus strand). Cytogenetic location: 3p12.3.
Variant type: single nucleotide variant.
Coding change: c.3267G>A on transcript NM_001395656.1 (MANE Select); coding-DNA position 3267, G replaced by A.
Protein change: p.Thr1089=; no amino-acid change (threonine 1089 retained).
Molecular consequence: synonymous variant.
Genome position (GRCh38, 1-based): chr3:77,607,916, G>A. VCF-style: chr3-77607916-G-A. GRCh37 (hg19) VCF-style: chr3-77657067-G-A.
Other names: c.3303G>A, p.Thr1101= (NM_001128929.3); c.3267G>A, p.Thr1089= (NM_001290039.2, NM_001290040.2); c.1476G>A, p.Thr492= (NM_001290065.2); c.3315G>A, p.Thr1105= (NM_001378190.1, NM_001378200.1, NM_001378201.1 and 1 more transcripts); c.3441G>A, p.Thr1147= (NM_001378191.1, NM_001378195.1, NM_001378196.1); c.3336G>A, p.Thr1112= (NM_001378192.1, NM_001378198.1, NM_001378199.1); c.3255G>A, p.Thr1085= (NM_001378193.1, NM_002942.5); c.3453G>A, p.Thr1151= (NM_001378194.1); and 5 more.
Identifiers: ClinVar variation 1049710 (VCV001049710.7), dbSNP rs200783298, ClinGen allele CA2497603.
Genomic context (GRCh38, chr3:77,607,916, plus strand): 5'-TGGATCCACTTGGGCCAATGTCCCTCTACCTCCCCCCCCAGTCCAGCCCCTTCCTGGCAC[G>A]GAGCTGGAACACTATGCAGTGGAACAACAAGAAAATGGGTAAAGATATTTTATATACTAG-3'
Protein context (NP_001382585.1, residues 1079-1099): PPPPVQPLPG[Thr1089=]ELEHYAVEQQ